The following is an entry in ClinVar:

ClinVar aggregate classification (germline): Uncertain significance. Review status: criteria provided, single submitter (1 of 4 stars). 2 submissions from 2 submitters: Uncertain significance (1). 1 of the submissions does not count toward it. Last evaluated 2021-08-27.

Conditions:
Nemaline myopathy 2 (NEM2). Also called: Nemaline myopathy 2, autosomal recessive. Identifiers: MedGen C1850569, MONDO:0009725, OMIM 256030.

Allele frequency attached by ClinVar (database versions not stated): TOPMed below 0.00001.

Submissions (2):

Labcorp Genetics (formerly Invitae), Labcorp
Classification: Uncertain significance for Nemaline myopathy 2. Last evaluated: 2021-08-27. Review status: criteria provided, single submitter. Criteria: Invitae Variant Classification Sherloc (09022015). Collection method: clinical testing. Allele origin: germline.
Comment: This sequence change replaces arginine with glycine at codon 8063 of the NEB protein (p.Arg8063Gly). The arginine residue is weakly conserved and there is a moderate physicochemical difference between arginine and glycine. This variant is not present in population databases (ExAC no frequency). This variant has not been reported in the literature in individuals affected with NEB-related conditions. Algorithms developed to predict the effect of missense changes on protein structure and function are either unavailable or do not agree on the potential impact of this missense change (SIFT: "Deleterious"; PolyPhen-2: "Not Available"; Align-GVGD: "Class C0"). In summary, the available evidence is currently insufficient to determine the role of this variant in disease. Therefore, it has been classified as a Variant of Uncertain Significance.

Natera, Inc.
Classification: Uncertain significance for Nemaline myopathy type 2. Last evaluated: 2021-06-09. Review status: no assertion criteria provided. Collection method: clinical testing. Allele origin: germline. Not counted in ClinVar's aggregate classification.

NM_001164508.2(NEB):c.24082A>G (p.Arg8028Gly)

Genes: NEB (nebulin; minus strand), RIF1 (replication timing regulatory factor 1; plus strand). Cytogenetic location: 2q23.3.
Variant type: single nucleotide variant.
Coding change: c.24082A>G on transcript NM_001164508.2 (MANE Select); coding-DNA position 24082, A replaced by G.
Protein change: p.Arg8028Gly; replaces arginine 8028 with glycine.
Molecular consequence: missense variant. On other transcripts: intron variant (1).
Genome position (GRCh38, 1-based): chr2:151,499,330, T>C on the plus strand (A>G on the coding strand, the complement: NEB is on the minus strand). VCF-style: chr2-151499330-T-C. GRCh37 (hg19) VCF-style: chr2-152355844-T-C.
Other names: c.24082A>G, p.Arg8028Gly (NM_001164507.2); c.24187A>G, p.Arg8063Gly (NM_001271208.2); c.18826-2962A>G (NM_004543.5); short protein forms R8028G, R8063G.
Identifiers: ClinVar variation 951625 (VCV000951625.11), dbSNP rs2062685891, ClinGen allele CA348779430.
Genomic context (GRCh38, chr2:151,499,330, plus strand): 5'-ATTAAAGGGATTTTTTATTTTTAAATACCGAACTAAAGTTTTCTTGATTGTGTTTGACTC[T>C]CTCCATCTCTGGAGTGATGGGGATTGGAATCCCTTTTCCAACGTTTTCTTTATACAACAC-3'
Protein context (NP_001157980.2, residues 8018-8038): IPIPITPEME[Arg8028Gly]VKHNQENFSS